The following is an entry in ClinVar:

ClinVar aggregate classification (germline): Uncertain significance. Review status: criteria provided, multiple submitters, no conflicts (2 of 4 stars). 3 submissions from 3 submitters: Uncertain significance (3). Last evaluated 2025-03-31.

Conditions:
Inborn genetic diseases. Identifiers: MedGen C0950123, MeSH D030342.

Allele frequency attached by ClinVar (database versions not stated): gnomAD 0.00001 and 0.00002; gnomAD exomes 0.00003 and 0.00005; TOPMed 0.00004; ExAC 0.00009.
gnomAD v4.1: 43 of 1,507,856 alleles (0.0029%); highest among the groups gnomAD compares: East Asian, 0.032%; no homozygotes.

Submissions (3):

Labcorp Genetics (formerly Invitae), Labcorp
Classification: Uncertain significance. Last evaluated: 2025-03-31. Review status: criteria provided, single submitter. Criteria: Invitae Variant Classification Sherloc (09022015). Collection method: clinical testing. Allele origin: germline.
Comment: This sequence change replaces arginine, which is basic and polar, with cysteine, which is neutral and slightly polar, at codon 387 of the PRDM13 protein (p.Arg387Cys). This variant is present in population databases (rs757934187, gnomAD 0.01%). This variant has not been reported in the literature in individuals affected with PRDM13-related conditions. ClinVar contains an entry for this variant (Variation ID: 1037548). An algorithm developed to predict the effect of missense changes on protein structure and function (PolyPhen-2) suggests that this variant is likely to be disruptive. In summary, the available evidence is currently insufficient to determine the role of this variant in disease. Therefore, it has been classified as a Variant of Uncertain Significance.

Blueprint Genetics
Classification: Uncertain significance. Last evaluated: 2024-07-11. Review status: criteria provided, single submitter. Criteria: ACMG Guidelines, 2015. Collection method: clinical testing. Allele origin: germline.

Ambry Genetics
Classification: Uncertain significance for Inborn genetic diseases. Last evaluated: 2022-06-27. Review status: criteria provided, single submitter. Criteria: Ambry Variant Classification Scheme 2023. Collection method: clinical testing. Allele origin: germline.

NM_021620.4(PRDM13):c.1159C>T (p.Arg387Cys)

Genes: PRDM13 (PR/SET domain 13; plus strand), LOC129996881 (ATAC-STARR-seq lymphoblastoid silent region 17422; plus strand). Cytogenetic location: 6q16.2.
Variant type: single nucleotide variant.
Coding change: c.1159C>T on transcript NM_021620.4 (MANE Select); coding-DNA position 1159, C replaced by T.
Protein change: p.Arg387Cys; replaces arginine 387 with cysteine.
Molecular consequence: missense variant.
Genome position (GRCh38, 1-based): chr6:99,613,794, C>T. VCF-style: chr6-99613794-C-T. GRCh37 (hg19) VCF-style: chr6-100061670-C-T.
Other names: c.1159C>T (NM_021620.3); short protein forms R387C.
Identifiers: ClinVar variation 1037548 (VCV001037548.9), dbSNP rs757934187, ClinGen allele CA3936324.